The following is an entry in ClinVar:

ClinVar aggregate classification (germline): Uncertain significance. Review status: criteria provided, multiple submitters, no conflicts (2 of 4 stars). 4 submissions from 4 submitters: Uncertain significance (4). Last evaluated 2025-04-21.

Conditions:
DNMT3A-related disorder. Also called: DNMT3A-related disorders; DNMT3A-related condition.
Tatton-Brown-Rahman overgrowth syndrome. Also called: Tatton-Brown-Rahman syndrome; Tall stature-intellectual disability-facial dysmorphism syndrome. Identifiers: Orphanet 404443, MedGen C4014545, MONDO:0014382, OMIM 615879.

Allele frequency attached by ClinVar (database versions not stated): gnomAD 0.00001; ExAC 0.00003; 1000 Genomes Project 30x 0.00016.
gnomAD v4.1: 11 of 1,613,456 alleles (0.00068%); highest among the groups gnomAD compares: Admixed American, 0.0033%; no homozygotes.

Submissions (4):

Labcorp Genetics (formerly Invitae), Labcorp
Classification: Uncertain significance for Tatton-Brown-Rahman overgrowth syndrome. Last evaluated: 2025-04-21. Review status: criteria provided, single submitter. Criteria: Invitae Variant Classification Sherloc (09022015). Collection method: clinical testing. Allele origin: germline.
Comment: This sequence change replaces arginine, which is basic and polar, with cysteine, which is neutral and slightly polar, at codon 379 of the DNMT3A protein (p.Arg379Cys). The frequency data for this variant in the population databases is considered unreliable, as metrics indicate poor data quality at this position in the gnomAD database. This variant has not been reported in the literature in individuals affected with DNMT3A-related conditions. ClinVar contains an entry for this variant (Variation ID: 434957). Invitae Evidence Modeling of protein sequence and biophysical properties (such as structural, functional, and spatial information, amino acid conservation, physicochemical variation, residue mobility, and thermodynamic stability) indicates that this missense variant is expected to disrupt DNMT3A protein function with a positive predictive value of 95%. In summary, the available evidence is currently insufficient to determine the role of this variant in disease. Therefore, it has been classified as a Variant of Uncertain Significance.

PreventionGenetics, part of Exact Sciences
Classification: Uncertain significance for DNMT3A-related condition. Last evaluated: 2023-01-31. Review status: criteria provided, single submitter. Criteria: ACMG Guidelines, 2015. Collection method: clinical testing. Allele origin: germline.
Comment: The DNMT3A c.1135C>T variant is predicted to result in the amino acid substitution p.Arg379Cys. To our knowledge, this variant has not been reported in the literature. This variant is reported in 0.00078% of alleles in individuals of European (Non-Finnish) descent in gnomAD. At this time, the clinical significance of this variant is uncertain due to the absence of conclusive functional and genetic evidence.

GeneDx
Classification: Uncertain significance. Last evaluated: 2022-02-14. Review status: criteria provided, single submitter. Criteria: GeneDx Variant Classification Process June 2021. Collection method: clinical testing. Allele origin: germline. Affected: yes.
Comment: In silico analysis supports that this missense variant has a deleterious effect on protein structure/function; Has not been previously published as pathogenic or benign to our knowledge

Genetic Services Laboratory, University of Chicago
Classification: Uncertain significance. Last evaluated: 2016-07-14. Review status: criteria provided, single submitter. Criteria: ACMG Guidelines, 2015. Collection method: clinical testing. Allele origin: germline. Affected: no.

NM_022552.5(DNMT3A):c.1135C>T (p.Arg379Cys)

Gene: DNMT3A (DNA methyltransferase 3 alpha; minus strand). Cytogenetic location: 2p23.3.
Variant type: single nucleotide variant.
Coding change: c.1135C>T on transcript NM_022552.5 (MANE Select); coding-DNA position 1135, C replaced by T.
Protein change: p.Arg379Cys; replaces arginine 379 with cysteine.
Molecular consequence: missense variant. On other transcripts: non-coding transcript variant (1).
Genome position (GRCh38, 1-based): chr2:25,246,764, G>A on the plus strand (C>T on the coding strand, the complement: DNMT3A is on the minus strand). VCF-style: chr2-25246764-G-A. GRCh37 (hg19) VCF-style: chr2-25469633-G-A.
Other names: c.1135C>T, p.Arg379Cys (NM_175629.2); c.679C>T, p.Arg227Cys (NM_001320893.1); c.466C>T, p.Arg156Cys (NM_001375819.1); c.568C>T, p.Arg190Cys (NM_153759.3); short protein forms R190C, R379C, R227C, R156C.
Identifiers: ClinVar variation 434957 (VCV000434957.11), dbSNP rs754459010, ClinGen allele CA1556130.